The following is an entry in ClinVar:

ClinVar aggregate classification (germline): Pathogenic (1 of 4 stars; one submission).

Submission:

GeneDx
Classification: Pathogenic. Last evaluated: 2026-03-26. Review status: criteria provided, single submitter. Criteria: GeneDx Variant Classification Process June 2021. Collection method: clinical testing. Allele origin: germline.
Comment: Canonical splice site variant predicted to result in an in-frame loss of the adjacent exon in a gene for which loss of function is a known mechanism of disease; Not observed at significant frequency in large population cohorts (gnomAD); This variant is associated with the following publications: (PMID: 25525159, 23760082, 15146185)

NM_133433.4(NIPBL):c.5575-2A>G

Gene: NIPBL (NIPBL cohesin loading factor; plus strand). Cytogenetic location: 5p13.2.
Variant type: single nucleotide variant.
Coding change: c.5575-2A>G on transcript NM_133433.4 (MANE Select); the canonical splice acceptor site of the intron before coding-DNA position 5575, A replaced by G.
Molecular consequence: splice acceptor variant.
Genome position (GRCh38, 1-based): chr5:37,024,583, A>G. VCF-style: chr5-37024583-A-G. GRCh37 (hg19) VCF-style: chr5-37024685-A-G.
Other names: c.5575-2A>G (NM_001438586.1, NM_015384.5).
Identifiers: ClinVar variation 5017826 (VCV005017826.1).